The following is an entry in ClinVar:

NM_020921.4(NIN):c.3391C>T (p.Arg1131Ter)

Gene: NIN (ninein; minus strand). Cytogenetic location: 14q22.1.
Variant type: single nucleotide variant.
Coding change: c.3391C>T on transcript NM_020921.4 (MANE Select); coding-DNA position 3391, C replaced by T.
Protein change: p.Arg1131Ter; replaces arginine 1131 with a stop codon.
Molecular consequence: nonsense. On other transcripts: intron variant (1).
Genome position (GRCh38, 1-based): chr14:50,757,639, G>A on the plus strand (C>T on the coding strand, the complement: NIN is on the minus strand). VCF-style: chr14-50757639-G-A. GRCh37 (hg19) VCF-style: chr14-51224357-G-A.
Other names: c.3391C>T, p.Arg1131Ter (NM_182944.3, NM_182946.2); c.2399+2218C>T (NM_016350.5); short protein forms R1131*.
Identifiers: ClinVar variation 2801207 (VCV002801207.3), dbSNP rs759279997, ClinGen allele CA7181747.
Genomic context (GRCh38, chr14:50,757,639, plus strand): 5'-CATCATCTTCCAGGTCACTTAGGACATGCCGCCTGGTCACACCTTCTACTTGCTTCGTTC[G>A]GTTTTGCTGTAAAAACTGCTCTGTTTGTTCCGCAGTATTTCCAAAAAACTCAGTAGCTGG-3'

ClinVar aggregate classification (germline): Uncertain significance (1 of 4 stars; one submission).

Allele frequency attached by ClinVar (database versions not stated): ExAC 0.00001; gnomAD exomes 0.00002.
gnomAD v4.1: 32 of 1,614,052 alleles (0.002%); highest among the groups gnomAD compares: Non-Finnish European, 0.0025%; no homozygotes.

Submission:

Labcorp Genetics (formerly Invitae), Labcorp
Classification: Uncertain significance. Last evaluated: 2023-03-30. Review status: criteria provided, single submitter. Criteria: Invitae Variant Classification Sherloc (09022015). Collection method: clinical testing. Allele origin: germline.
Comment: This sequence change creates a premature translational stop signal (p.Arg1131*) in the NIN gene. It is expected to result in an absent or disrupted protein product. However, the current clinical and genetic evidence is not sufficient to establish whether loss-of-function variants in NIN cause disease. This variant is present in population databases (rs759279997, gnomAD 0.003%). This variant has not been reported in the literature in individuals affected with NIN-related conditions. In summary, the available evidence is currently insufficient to determine the role of this variant in disease. Therefore, it has been classified as a Variant of Uncertain Significance.